The following is an entry in ClinVar:

ClinVar aggregate classification (germline): Likely benign. Review status: criteria provided, multiple submitters, no conflicts (2 of 4 stars). 3 submissions from 3 submitters: Likely benign (2). 1 of the submissions does not count toward it. Last evaluated 2025-02-10.

Conditions:
TAF6-related disorder. Also called: TAF6-related condition.

Allele frequency attached by ClinVar (database versions not stated): TOPMed 0.00007; gnomAD 0.00006; ExAC 0.00007; ESP Exome Variant Server 0.00008.
gnomAD v4.1: 73 of 1,613,800 alleles (0.0045%); highest among the groups gnomAD compares: East Asian, 0.0067%; no homozygotes.

Submissions (3):

Labcorp Genetics (formerly Invitae), Labcorp
Classification: Likely benign. Last evaluated: 2025-02-10. Review status: criteria provided, single submitter. Criteria: Invitae Variant Classification Sherloc (09022015). Collection method: clinical testing. Allele origin: germline.

Breakthrough Genomics
Classification: Likely benign. Review status: criteria provided, single submitter. Criteria: ACMG Guidelines, 2015. Collection method: not provided. Allele origin: germline. Inheritance: Autosomal recessive inheritance. Affected: yes.

PreventionGenetics, part of Exact Sciences
Classification: Likely benign for TAF6-related condition. Last evaluated: 2019-04-16. Review status: no assertion criteria provided. Collection method: clinical testing. Allele origin: germline. Not counted in ClinVar's aggregate classification.
Comment: This variant is classified as likely benign based on ACMG/AMP sequence variant interpretation guidelines (Richards et al. 2015 PMID: 25741868, with internal and published modifications).

NM_139315.3(TAF6):c.1710C>T (p.Pro570=)

Genes: AP4M1 (adaptor related protein complex 4 subunit mu 1; plus strand), TAF6 (TATA-box binding protein associated factor 6; minus strand). Cytogenetic location: 7q22.1.
Variant type: single nucleotide variant.
Coding change: c.1710C>T on transcript NM_139315.3 (MANE Select); coding-DNA position 1710, C replaced by T.
Protein change: p.Pro570=; no amino-acid change (proline 570 retained).
Molecular consequence: synonymous variant. On other transcripts: non-coding transcript variant (1), 3 prime UTR variant (2).
Genome position (GRCh38, 1-based): chr7:100,107,570, G>A on the plus strand (C>T on the coding strand, the complement: TAF6 is on the minus strand). VCF-style: chr7-100107570-G-A. GRCh37 (hg19) VCF-style: chr7-99705193-G-A.
Other names: c.1821C>T, p.Pro607= (NM_001190415.2); c.1710C>T, p.Pro570= (NM_001364998.1, NM_001364999.1, NM_005641.4); c.1680C>T, p.Pro560= (NM_001365000.1, NM_001365001.1, NM_001365002.1 and 1 more transcripts); c.1848C>T, p.Pro616= (NM_001365004.1); c.*688G>A (NM_001363671.2, NM_004722.4).
Identifiers: ClinVar variation 3059325 (VCV003059325.4), dbSNP rs138356641, ClinGen allele CA4375179.
Genomic context (GRCh38, chr7:100,107,570, plus strand): 5'-GGTGGTGGCGGTGGAGACCAACTTGACGATGGGCTGCACGCTGGGGACGGTGGTGGTGAC[G>A]GGCGAAGTGGTGGTGGAACCTGAGCCGGGGGCCGAGGTGCTGAGGGACAGGACCTGGATA-3'
Protein context (NP_647476.1, residues 560-580): APGSGSTTTS[Pro570=]VTTTVPSVQP